The following is an entry in ClinVar:

ClinVar aggregate classification (germline): Pathogenic (1 of 4 stars; one submission).

Submission:

Labcorp Genetics (formerly Invitae), Labcorp
Classification: Pathogenic. Last evaluated: 2025-04-14. Review status: criteria provided, single submitter. Criteria: Invitae Variant Classification Sherloc (09022015). Collection method: clinical testing. Allele origin: germline.
Comment: This sequence change creates a premature translational stop signal (p.Ser39Alafs*29) in the LARS2 gene. It is expected to result in an absent or disrupted protein product. Loss-of-function variants in LARS2 are known to be pathogenic (PMID: 23541342, 30737337). This variant is not present in population databases (gnomAD no frequency). This variant has not been reported in the literature in individuals affected with LARS2-related conditions. ClinVar contains an entry for this variant (Variation ID: 2706891). For these reasons, this variant has been classified as Pathogenic.

Literature cited by the submitters: PubMed 23541342; PubMed 30737337.

NM_015340.4(LARS2):c.115del (p.Ser39fs)

Gene: LARS2 (leucyl-tRNA synthetase 2, mitochondrial; plus strand). Cytogenetic location: 3p21.31.
Variant type: Deletion.
Coding change: c.115del on transcript NM_015340.4 (MANE Select); coding-DNA position 115, one base deleted (A; older notation c.115delA).
Protein change: p.Ser39fs; shifts the reading frame from serine 39.
Molecular consequence: frameshift variant.
Genome position (GRCh38, 1-based): chr3:45,394,568, A deleted; the last of 2 consecutive A bases (chr3:45,394,567-45,394,568); deleting either gives the same sequence. VCF-style (leftmost placement, unchanged base first): chr3-45394566-GA-G. GRCh37 (hg19) VCF-style: chr3-45436058-GA-G.
Other names: c.115del, p.Ser39fs (NM_001368263.1); short protein forms S39fs.
Identifiers: ClinVar variation 2706891 (VCV002706891.3), dbSNP rs2528738360, ClinGen allele CA2697550846.